The following is an entry in ClinVar:

NM_003059.3(SLC22A4):c.797C>T (p.Pro266Leu)

Genes: MIR3936HG (MIR3936 host gene; minus strand), SLC22A4 (solute carrier family 22 member 4; plus strand). Cytogenetic location: 5q31.1.
Variant type: single nucleotide variant.
Coding change: c.797C>T on transcript NM_003059.3 (MANE Select); coding-DNA position 797, C replaced by T.
Protein change: p.Pro266Leu; replaces proline 266 with leucine.
Molecular consequence: missense variant.
Genome position (GRCh38, 1-based): chr5:132,322,328, C>T. VCF-style: chr5-132322328-C-T. GRCh37 (hg19) VCF-style: chr5-131658021-C-T.
Other names: short protein forms P266L.
Identifiers: ClinVar variation 2160123 (VCV002160123.4), dbSNP rs199535716, ClinGen allele CA3403509.

ClinVar aggregate classification (germline): Uncertain significance (1 of 4 stars; one submission).

Allele frequency attached by ClinVar (database versions not stated): ExAC 0.00001; 1000 Genomes Project 0.00020; 1000 Genomes Project 30x 0.00031.
gnomAD v4.1: 37 of 1,613,756 alleles (0.0023%); highest among the groups gnomAD compares: Middle Eastern, 0.017%; no homozygotes.

Submission:

Labcorp Genetics (formerly Invitae), Labcorp
Classification: Uncertain significance. Last evaluated: 2022-08-31. Review status: criteria provided, single submitter. Criteria: Invitae Variant Classification Sherloc (09022015). Collection method: clinical testing. Allele origin: germline.
Comment: Algorithms developed to predict the effect of missense changes on protein structure and function are either unavailable or do not agree on the potential impact of this missense change (SIFT: "Tolerated"; PolyPhen-2: "Possibly Damaging"; Align-GVGD: "Class C0"). This sequence change replaces proline, which is neutral and non-polar, with leucine, which is neutral and non-polar, at codon 266 of the SLC22A4 protein (p.Pro266Leu). This variant is present in population databases (rs199535716, gnomAD 0.003%). This variant has not been reported in the literature in individuals affected with SLC22A4-related conditions. In summary, the available evidence is currently insufficient to determine the role of this variant in disease. Therefore, it has been classified as a Variant of Uncertain Significance.